The following is an entry in ClinVar:

ClinVar aggregate classification (germline): Uncertain significance (1 of 4 stars; one submission).

Conditions:
Alagille syndrome due to a JAG1 point mutation. Also called: Alagille Syndrome 1; HEPATIC DUCTULAR HYPOPLASIA, SYNDROMATIC; JAG1-Related Alagille Syndrome. Identifiers: Orphanet 261619, Orphanet 52, MedGen C1956125, MONDO:0016862, OMIM 118450.

Submission:

Labcorp Genetics (formerly Invitae), Labcorp
Classification: Uncertain significance for Alagille syndrome due to a JAG1 point mutation. Last evaluated: 2018-02-23. Review status: criteria provided, single submitter. Criteria: Invitae Variant Classification Sherloc (09022015). Collection method: clinical testing. Allele origin: germline.
Comment: Algorithms developed to predict the effect of missense changes on protein structure and function (SIFT, PolyPhen-2, Align-GVGD) all suggest that this variant is likely to be disruptive, but these predictions have not been confirmed by published functional studies and their clinical significance is uncertain. In summary, the available evidence is currently insufficient to determine the role of this variant in disease. Therefore, it has been classified as a Variant of Uncertain Significance. A different missense substitution at this codon (p.Cys693Tyr) has been reported in an individual affected with Alagille syndrome (PMID: 16575836). This variant has not been reported in the literature in individuals with JAG1-related disease. This variant is not present in population databases (ExAC no frequency). This sequence change replaces cysteine with arginine at codon 693 of the JAG1 protein (p.Cys693Arg). The cysteine residue is highly conserved and there is a large physicochemical difference between cysteine and arginine.

Literature cited by the submitters: PubMed 16575836.

NM_000214.3(JAG1):c.2077T>C (p.Cys693Arg)

Gene: JAG1 (jagged canonical Notch ligand 1; minus strand). Cytogenetic location: 20p12.2.
Variant type: single nucleotide variant.
Coding change: c.2077T>C on transcript NM_000214.3 (MANE Select); coding-DNA position 2077, T replaced by C.
Protein change: p.Cys693Arg; replaces cysteine 693 with arginine.
Molecular consequence: missense variant.
Genome position (GRCh38, 1-based): chr20:10,645,392, A>G on the plus strand (T>C on the coding strand, the complement: JAG1 is on the minus strand). VCF-style: chr20-10645392-A-G. GRCh37 (hg19) VCF-style: chr20-10626040-A-G.
Other names: c.2077T>C, p.Cys693Arg (LRG_1191t1); short protein forms C693R.
Identifiers: ClinVar variation 580996 (VCV000580996.8), dbSNP rs1568794319, ClinGen allele CA408235451.